The following is an entry in ClinVar:

ClinVar aggregate classification (germline): Likely benign (1 of 4 stars; one submission).

Submission:

CeGaT Center for Human Genetics Tuebingen
Classification: Likely benign. Last evaluated: 2023-01-01. Review status: criteria provided, single submitter. Criteria: CeGaT Center For Human Genetics Tuebingen Variant Classification Criteria Version 2. Collection method: clinical testing. Allele origin: germline. Affected: yes. Observed: 1 variant allele.
Comment: POU3F3: BS2

NM_006236.3(POU3F3):c.884GCG[3] (p.Gly298_Gly300del)

Gene: POU3F3 (POU class 3 homeobox 3; plus strand). Cytogenetic location: 2q12.1.
Variant type: Microsatellite.
Coding change: c.884GCG[3] on transcript NM_006236.3 (MANE Select); three copies in a row of the 3-base unit GCG starting at c.884; the reference has six copies in a row; three copies, 9 bases deleted.
Protein change: p.Gly298_Gly300del.
Molecular consequence: inframe deletion.
Genome position (GRCh38, 1-based): chr2:104,856,403-104,856,411, GCGGCGGCG deleted; deleting any 9 consecutive bases within chr2:104,856,392-104,856,411 gives the same sequence; the position shown is the placement nearest the transcript's 3' end. VCF-style (leftmost placement, unchanged base first): chr2-104856391-ACGGCGGCGG-A. GRCh37 (hg19) VCF-style: chr2-105472849-ACGGCGGCGG-A.
Identifiers: ClinVar variation 2651221 (VCV002651221.24), dbSNP rs546400611, ClinGen allele CA1812961.